The following is an entry in ClinVar:

NM_004733.4(SLC33A1):c.7C>G (p.Pro3Ala)

Gene: SLC33A1 (solute carrier family 33 member 1; minus strand). Cytogenetic location: 3q25.31.
Variant type: single nucleotide variant.
Coding change: c.7C>G on transcript NM_004733.4 (MANE Select); coding-DNA position 7, C replaced by G.
Protein change: p.Pro3Ala; replaces proline 3 with alanine.
Molecular consequence: missense variant.
Genome position (GRCh38, 1-based): chr3:155,853,991, G>C on the plus strand (C>G on the coding strand, the complement: SLC33A1 is on the minus strand). VCF-style: chr3-155853991-G-C. GRCh37 (hg19) VCF-style: chr3-155571780-G-C.
Other names: c.7C>G, p.Pro3Ala (NM_001190992.2, NM_001363883.1); short protein forms P3A.
Identifiers: ClinVar variation 1804767 (VCV001804767.1), dbSNP rs2473020724, ClinGen allele CA355144829.

ClinVar aggregate classification (germline): Uncertain significance (1 of 4 stars; one submission).

Submission:

Women's Health and Genetics/Laboratory Corporation of America, LabCorp
Classification: Uncertain significance. Last evaluated: 2022-11-10. Review status: criteria provided, single submitter. Criteria: LabCorp Variant Classification Summary - May 2015. Collection method: clinical testing. Allele origin: germline.
Comment: Variant summary: SLC33A1 c.7C>G (p.Pro3Ala) results in a non-conservative amino acid change in the encoded protein sequence. Three of five in-silico tools predict a benign effect of the variant on protein function. The variant was absent in 189554 control chromosomes (gnomAD). The available data on variant occurrences in the general population are insufficient to allow any conclusion about variant significance. To our knowledge, no occurrence of c.7C>G in individuals affected with Congenital Cataract-Hearing Loss-Severe Developmental Delay Syndrome or other SLC33A1-related disorders and no experimental evidence demonstrating its impact on protein function have been reported. No clinical diagnostic laboratories have submitted clinical-significance assessments for this variant to ClinVar after 2014. Based on the evidence outlined above, the variant was classified as uncertain significance.